The following is an entry in ClinVar:

NM_002474.3(MYH11):c.1249-11delinsCCCCTGGTTC

Gene: MYH11 (myosin heavy chain 11; minus strand). Cytogenetic location: 16p13.11.
Variant type: Indel.
Coding change: c.1249-11delinsCCCCTGGTTC on transcript NM_002474.3 (MANE Select); 11 bases into the intron before coding-DNA position 1249, G replaced by CCCCTGGTTC.
Molecular consequence: intron variant.
Genome position (GRCh38, 1-based): chr16:15,759,739, C replaced by GAACCAGGGG on the plus strand (G replaced by CCCCTGGTTC on the coding strand, the reverse complement: MYH11 is on the minus strand). VCF-style: chr16-15759739-C-GAACCAGGGG. GRCh37 (hg19) VCF-style: chr16-15853596-C-GAACCAGGGG.
Other names: c.1249-11delinsCCCCTGGTTC (NM_022844.3); c.1270-11delinsCCCCTGGTTC (NM_001040114.2, NM_001040113.2).
Identifiers: ClinVar variation 1171751 (VCV001171751.2), dbSNP rs2151277364, ClinGen allele CA2499223246.
Genomic context (GRCh38, chr16:15,759,739, plus strand): 5'-AAAAGGCGCTCATATGTTGCCTTGGCCAAAGCCTCTACAGCAAAGTCAGCCTGCAGAGGG[C>GAACCAGGGG]AACCAGGGGAACCCGGTTATTCTCAATGGGCTCCATTTTCACATAAGCCAGGCTGGTGGT-3'

ClinVar aggregate classification (germline): Uncertain significance (1 of 4 stars; one submission).

Conditions:
Familial thoracic aortic aneurysm and aortic dissection (TAAD). Also called: Thoracic aortic aneurysms and dissections. Identifiers: Orphanet 91387, MedGen C4707243, MONDO:0019625.

Submission:

Color Diagnostics, LLC DBA Color Health
Classification: Uncertain significance for Familial thoracic aortic aneurysm and aortic dissection. Last evaluated: 2020-11-17. Review status: criteria provided, single submitter. Criteria: ACMG Guidelines, 2015. Collection method: clinical testing. Allele origin: germline.
Comment: This variant replaces one nucleotide at the -11 position in intron 12 of the MYH11 gene with an additional ten nucleotides sequence. To our knowledge, functional studies have not been reported for this variant. This variant has not been reported in individuals affected with cardiovascular disorders in the literature. This variant has not been identified in the general population by the Genome Aggregation Database (gnomAD). The available evidence is insufficient to determine the role of this variant in disease conclusively. Therefore, this variant is classified as a Variant of Uncertain Significance.